The following is an entry in ClinVar:

NM_000375.3(UROS):c.683C>T (p.Thr228Met)

Gene: UROS (uroporphyrinogen III synthase; minus strand). Cytogenetic location: 10q26.2.
Variant type: single nucleotide variant.
Coding change: c.683C>T on transcript NM_000375.3 (MANE Select); coding-DNA position 683, C replaced by T.
Protein change: p.Thr228Met; replaces threonine 228 with methionine.
Molecular consequence: missense variant. On other transcripts: non-coding transcript variant (3).
Genome position (GRCh38, 1-based): chr10:125,788,983, G>A on the plus strand (C>T on the coding strand, the complement: UROS is on the minus strand). VCF-style: chr10-125788983-G-A. GRCh37 (hg19) VCF-style: chr10-127477552-G-A.
Other names: c.764C>T, p.Thr255Met (NM_001324036.2); c.683C>T, p.Thr228Met (NM_001324037.2); c.602C>T, p.Thr201Met (NM_001324038.2); c.683C>T (NM_000375.2); short protein forms T228M, T201M, T255M.
Identifiers: ClinVar variation 3754 (VCV000003754.10), dbSNP rs121908014, ClinGen allele CA252866.

ClinVar aggregate classification (germline): Conflicting classifications of pathogenicity. Review status: criteria provided, conflicting classifications (1 of 4 stars). 4 submissions from 4 submitters: Pathogenic (1); Likely pathogenic (1); Uncertain significance (1). 1 of the submissions does not count toward it. Last evaluated 2022-09-07.

Conditions:
UROS-related disorder. Also called: UROS-related condition.
Congenital erythropoietic porphyria. Also called: UROPORPHYRINOGEN III SYNTHASE DEFICIENCY; Porphyria, Erythropoietic; Congenital porphyria; Günther disease; Uroporphyrinogen III synthase, deficiency of; Cutaneous porphyria. Identifiers: Orphanet 79277, MedGen C5886774, MONDO:0009902, OMIM 263700.

Allele frequency attached by ClinVar (database versions not stated): gnomAD exomes 0.00002 and 0.00003; gnomAD 0.00004 and 0.00003; TOPMed 0.00006; ExAC 0.00003.
gnomAD v4.1: 46 of 1,612,774 alleles (0.0029%); highest among the groups gnomAD compares: Middle Eastern, 0.016%; no homozygotes.

Submissions (4):

Revvity Omics, Revvity
Classification: Uncertain significance for Congenital erythropoietic porphyria. Last evaluated: 2022-09-07. Review status: criteria provided, single submitter. Criteria: ACMG Guidelines, 2015. Collection method: clinical testing. Allele origin: germline.

PreventionGenetics, part of Exact Sciences
Classification: Likely pathogenic for UROS-related condition. Last evaluated: 2022-08-25. Review status: criteria provided, single submitter. Criteria: ACMG Guidelines, 2015. Collection method: clinical testing. Allele origin: germline.
Comment: The UROS c.683C>T variant is predicted to result in the amino acid substitution p.Thr228Met. This variant has been reported in the compound heterozygous state in multiple individuals with autosomal recessive erythropoietic porphyria, and functional studies support its pathogenicity (Warner et al 1992. PubMed ID: 1737856; Fortian A et al 2009. PubMed ID: 19099412; Boulechfar S et al 1992. PubMed ID: 1733834; Fontanellas A et al. 1996. PubMed ID: 8946173). This variant is reported in 0.0057% of alleles in individuals of Latino descent in gnomAD. This variant is interpreted as likely pathogenic.

Labcorp Genetics (formerly Invitae), Labcorp
Classification: Pathogenic. Last evaluated: 2021-08-27. Review status: criteria provided, single submitter. Criteria: Invitae Variant Classification Sherloc (09022015). Collection method: clinical testing. Allele origin: germline.
Comment: This sequence change replaces threonine with methionine at codon 228 of the UROS protein (p.Thr228Met). The threonine residue is highly conserved and there is a moderate physicochemical difference between threonine and methionine. This variant is present in population databases (rs121908014, ExAC 0.02%). This missense change has been observed in individual(s) with congenital erythropoietic porphyria (PMID: 1737856, 7860775, 8946173, 12060141, 22816431). In at least one individual the data is consistent with the variant being in trans (on the opposite chromosome) from a pathogenic variant. ClinVar contains an entry for this variant (Variation ID: 3754). Algorithms developed to predict the effect of missense changes on protein structure and function (SIFT, PolyPhen-2, Align-GVGD) all suggest that this variant is likely to be disruptive. Experimental studies have shown that this missense change affects UROS function (PMID: 1737856, 30685241). For these reasons, this variant has been classified as Pathogenic.

OMIM
Classification: Pathogenic for PORPHYRIA, CONGENITAL ERYTHROPOIETIC. Last evaluated: 1992-01-01. Review status: no assertion criteria provided. Collection method: literature only. Allele origin: germline. Not counted in ClinVar's aggregate classification.

Literature cited by the submitters: PubMed 1737856 (cited by Labcorp Genetics (formerly Invitae), Labcorp); PubMed 7860775 (cited by Labcorp Genetics (formerly Invitae), Labcorp); PubMed 8946173 (cited by Labcorp Genetics (formerly Invitae), Labcorp); PubMed 12060141 (cited by Labcorp Genetics (formerly Invitae), Labcorp); PubMed 22816431 (cited by Labcorp Genetics (formerly Invitae), Labcorp); PubMed 30685241 (cited by Labcorp Genetics (formerly Invitae), Labcorp); Warner, C. A., Yoo, H. W., Tsai, S.-F., Roberts, A. G., Desnick, R. J. Congenital erythropoietic porphyria: characterization of the genomic structure and identification of mutations in the uroporphyrinogen III synthase gene. (Abstract) Am. J. Hum. Genet. 47 (suppl.): A83-only, 1990. (cited by OMIM); PubMed 1733834 (cited by OMIM).